The following is an entry in ClinVar:

NM_001042545.2(LTBP4):c.1825A>T (p.Thr609Ser)

Gene: LTBP4 (latent transforming growth factor beta binding protein 4; plus strand). Cytogenetic location: 19q13.2.
Variant type: single nucleotide variant.
Coding change: c.1825A>T on transcript NM_001042545.2 (MANE Select); coding-DNA position 1825, A replaced by T.
Protein change: p.Thr609Ser; replaces threonine 609 with serine.
Molecular consequence: missense variant.
Genome position (GRCh38, 1-based): chr19:40,611,166, A>T. VCF-style: chr19-40611166-A-T. GRCh37 (hg19) VCF-style: chr19-41117072-A-T.
Other names: c.2026A>T, p.Thr676Ser (NM_001042544.1); c.1915A>T, p.Thr639Ser (NM_003573.2); short protein forms T609S, T639S, T676S.
Identifiers: ClinVar variation 3776741 (VCV003776741.1).
Genomic context (GRCh38, chr19:40,611,166, plus strand): 5'-GGAGGCAGAGGGGAACAAGTGACCCCGGGCCCCCTGCCCTGTGCAGATGTGGATGAATGC[A>T]CCCAGAGCCCAGGCCTGTGTGGCCGAGGGGCCTGCAAGAACCTGCCTGGCTCTTTCCGCT-3'
Protein context (NP_001036010.1, residues 599-619): GASCQDVDEC[Thr609Ser]QSPGLCGRGA

ClinVar aggregate classification (germline): Uncertain significance (1 of 4 stars; one submission).

Submission:

GeneDx
Classification: Uncertain significance. Last evaluated: 2024-10-07. Review status: criteria provided, single submitter. Criteria: GeneDx Variant Classification Process June 2021. Collection method: clinical testing. Allele origin: germline. Affected: yes.
Comment: Not observed at significant frequency in large population cohorts (gnomAD); In silico analysis indicates that this missense variant does not alter protein structure/function; Has not been previously published as pathogenic or benign to our knowledge